The following is an entry in ClinVar:

ClinVar aggregate classification (germline): Uncertain significance (1 of 4 stars; one submission).

Conditions:
Congenital myotonia, autosomal dominant form (THD). Also called: THOMSEN DISEASE; Myotonia congenita autosomal dominant. Identifiers: Orphanet 614, MedGen C2936781, MONDO:0008055, OMIM 160800.
Congenital myotonia, autosomal recessive form. Also called: Becker Generalized Myotonia; myotonia congenita, autosomal recessive; BECKER DISEASE. Identifiers: Orphanet 614, MedGen C0751360, MONDO:0009715, OMIM 255700.

Allele frequency attached by ClinVar (database versions not stated): gnomAD exomes below 0.00001.
gnomAD v4.1: 1 of 1,613,870 alleles (0.000062%); highest among the groups gnomAD compares: Non-Finnish European, 0.000085%; no homozygotes.

Submission:

Labcorp Genetics (formerly Invitae), Labcorp
Classification: Uncertain significance for Congenital myotonia, autosomal recessive form; Congenital myotonia, autosomal dominant form. Last evaluated: 2020-10-19. Review status: criteria provided, single submitter. Criteria: Invitae Variant Classification Sherloc (09022015). Collection method: clinical testing. Allele origin: germline.
Comment: Advanced modeling of protein sequence and biophysical properties (such as structural, functional, and spatial information, amino acid conservation, physicochemical variation, residue mobility, and thermodynamic stability) performed at Invitae indicates that this missense variant is not expected to disrupt CLCN1 protein function. This variant has not been reported in the literature in individuals with CLCN1-related conditions. This variant is not present in population databases (ExAC no frequency). This sequence change replaces glycine with arginine at codon 777 of the CLCN1 protein (p.Gly777Arg). The glycine residue is moderately conserved and there is a moderate physicochemical difference between glycine and arginine. In summary, the available evidence is currently insufficient to determine the role of this variant in disease. Therefore, it has been classified as a Variant of Uncertain Significance.

NM_000083.3(CLCN1):c.2329G>C (p.Gly777Arg)

Gene: CLCN1 (chloride voltage-gated channel 1; plus strand). Cytogenetic location: 7q34.
Variant type: single nucleotide variant.
Coding change: c.2329G>C on transcript NM_000083.3 (MANE Select); coding-DNA position 2329, G replaced by C.
Protein change: p.Gly777Arg; replaces glycine 777 with arginine.
Molecular consequence: missense variant. On other transcripts: non-coding transcript variant (1).
Genome position (GRCh38, 1-based): chr7:143,346,623, G>C. VCF-style: chr7-143346623-G-C. GRCh37 (hg19) VCF-style: chr7-143043716-G-C.
Other names: short protein forms G777R.
Identifiers: ClinVar variation 1060601 (VCV001060601.9), dbSNP rs2116387531, ClinGen allele CA369652278.